The following is an entry in ClinVar:

ClinVar aggregate classification (germline): Uncertain significance (1 of 4 stars; one submission).

Conditions:
Leigh syndrome (NULS). Also called: Leigh's necrotizing encephalopathy; Leigh's disease; Leigh Syndrome (mtDNA deletion); Leigh Disease; Subacute necrotizing encephalopathy; Necrotizing encephalopathy infantile subacute of Leigh. Identifiers: Orphanet 506, MedGen C2931891, MONDO:0009723, OMIM 256000.

Submission:

Wong Mito Lab, Molecular and Human Genetics, Baylor College of Medicine
Classification: Uncertain significance for Leigh syndrome. Last evaluated: 2019-10-17. Review status: criteria provided, single submitter. Criteria: Modified ACMG Guidelines (Unpublished). Collection method: clinical testing. Allele origin: germline.
Comment: The NC_012920.1:m.5320C>G (YP_003024027.1:p.Thr284Ser) variant in MTND2 gene is interpretated to be a Uncertain Significance variant based on the modified ACMG guidelines (unpublished). This variant meets the following evidence codes: PP4, BP4

NC_012920.1(MT-ND2):m.5320C>G

Gene: MT-ND2 (mitochondrially encoded NADH dehydrogenase 2; plus strand).
Variant type: single nucleotide variant.
Genome position: chrM-5320-C-G.
Identifiers: ClinVar variation 692579 (VCV000692579.1), dbSNP rs1603219899, ClinGen allele CA414779817.